The following is an entry in ClinVar:

ClinVar aggregate classification (germline): Uncertain significance. Review status: criteria provided, multiple submitters, no conflicts (2 of 4 stars). 2 submissions from 2 submitters: Uncertain significance (2). Last evaluated 2025-09-25.

Conditions:
Autosomal recessive distal spinal muscular atrophy 1. Also called: Spinal muscular atrophy with respiratory distress 1; HMN VI; NEURONOPATHY, SEVERE INFANTILE AXONAL, WITH RESPIRATORY FAILURE; NEURONOPATHY, DISTAL HEREDITARY MOTOR, HARDING TYPE VI; NEUROPATHY, DISTAL HEREDITARY MOTOR, AUTOSOMAL RECESSIVE 1; SEVERE INFANTILE AXONAL NEUROPATHY WITH RESPIRATORY FAILURE. Identifiers: Orphanet 98920, MedGen C1858517, MONDO:0011436, OMIM 604320.
Charcot-Marie-Tooth disease axonal type 2S. Also called: CHARCOT-MARIE-TOOTH NEUROPATHY, TYPE 2S; CHARCOT-MARIE-TOOTH DISEASE, AXONAL, AUTOSOMAL RECESSIVE, TYPE 2S. Identifiers: Orphanet 443073, MedGen C4015349, MONDO:0014511, OMIM 616155.
Inborn genetic diseases. Identifiers: MedGen C0950123, MeSH D030342.

Allele frequency attached by ClinVar (database versions not stated): ExAC 0.00001; gnomAD exomes 0.00001; gnomAD 0.00003; TOPMed 0.00003.
gnomAD v4.1: 15 of 1,612,964 alleles (0.00093%); highest among the groups gnomAD compares: African/African-American, 0.0093%; no homozygotes.

Submissions (2):

Ambry Genetics
Classification: Uncertain significance for Inborn genetic diseases. Last evaluated: 2025-09-25. Review status: criteria provided, single submitter. Criteria: Ambry Variant Classification Scheme 2023. Collection method: clinical testing. Allele origin: germline.

Labcorp Genetics (formerly Invitae), Labcorp
Classification: Uncertain significance for Autosomal recessive distal spinal muscular atrophy 1; Charcot-Marie-Tooth disease axonal type 2S. Last evaluated: 2022-08-08. Review status: criteria provided, single submitter. Criteria: Invitae Variant Classification Sherloc (09022015). Collection method: clinical testing. Allele origin: germline.
Comment: This sequence change replaces arginine, which is basic and polar, with histidine, which is basic and polar, at codon 533 of the IGHMBP2 protein (p.Arg533His). The frequency data for this variant in the population databases is considered unreliable, as metrics indicate poor data quality at this position in the gnomAD database. This variant has not been reported in the literature in individuals affected with IGHMBP2-related conditions. ClinVar contains an entry for this variant (Variation ID: 955122). Advanced modeling of protein sequence and biophysical properties (such as structural, functional, and spatial information, amino acid conservation, physicochemical variation, residue mobility, and thermodynamic stability) performed at Invitae indicates that this missense variant is not expected to disrupt IGHMBP2 protein function. In summary, the available evidence is currently insufficient to determine the role of this variant in disease. Therefore, it has been classified as a Variant of Uncertain Significance.

NM_002180.3(IGHMBP2):c.1598G>A (p.Arg533His)

Genes: IGHMBP2 (immunoglobulin mu DNA binding protein 2; plus strand), LOC126861245 (CDK7 strongly-dependent group 2 enhancer GRCh37_chr11:68701479-68702678; plus strand). Cytogenetic location: 11q13.3.
Variant type: single nucleotide variant.
Coding change: c.1598G>A on transcript NM_002180.3 (MANE Select); coding-DNA position 1598, G replaced by A.
Protein change: p.Arg533His; replaces arginine 533 with histidine.
Molecular consequence: missense variant.
Genome position (GRCh38, 1-based): chr11:68,934,524, G>A. VCF-style: chr11-68934524-G-A. GRCh37 (hg19) VCF-style: chr11-68701992-G-A.
Other names: short protein forms R533H.
Identifiers: ClinVar variation 955122 (VCV000955122.9), dbSNP rs369816416, ClinGen allele CA6153712.